The following is an entry in ClinVar:

ClinVar aggregate classification (germline): Uncertain significance (0 of 4 stars; one submission).

Conditions:
SDCCAG8-related disorder. Also called: SDCCAG8-Related Disorders; SDCCAG8-related condition.

Submission:

PreventionGenetics, part of Exact Sciences
Classification: Uncertain significance for SDCCAG8-related condition. Last evaluated: 2024-03-05. Review status: no assertion criteria provided. Collection method: clinical testing. Allele origin: germline.
Comment: The SDCCAG8 c.1499T>C variant is predicted to result in the amino acid substitution p.Leu500Pro. To our knowledge, this variant has not been reported in the literature or in a large population database, indicating this variant is rare. At this time, the clinical significance of this variant is uncertain due to the absence of conclusive functional and genetic evidence.

NM_006642.5(SDCCAG8):c.1499T>C (p.Leu500Pro)

Gene: SDCCAG8 (SHH signaling and ciliogenesis regulator SDCCAG8; plus strand). Cytogenetic location: 1q43.
Variant type: single nucleotide variant.
Coding change: c.1499T>C on transcript NM_006642.5 (MANE Select); coding-DNA position 1499, T replaced by C.
Protein change: p.Leu500Pro; replaces leucine 500 with proline.
Molecular consequence: missense variant.
Genome position (GRCh38, 1-based): chr1:243,378,746, T>C. VCF-style: chr1-243378746-T-C. GRCh37 (hg19) VCF-style: chr1-243542048-T-C.
Other names: c.596T>C, p.Leu199Pro (NM_001350246.2, NM_001350247.2, NM_001350251.2); c.1595T>C, p.Leu532Pro (NM_001350248.2); c.1205T>C, p.Leu402Pro (NM_001350249.2); short protein forms L199P, L402P, L500P, L532P.
Identifiers: ClinVar variation 3355850 (VCV003355850.1).